The following is an entry in ClinVar:

ClinVar aggregate classification (germline): Uncertain significance (1 of 4 stars; one submission).

Submission:

Ambry Genetics
Classification: Uncertain significance. Last evaluated: 2026-07-12. Review status: criteria provided, single submitter. Criteria: Ambry Variant Classification Scheme 2023. Collection method: clinical testing. Allele origin: germline.
Comment: The p.L14R variant (also known as c.41T>G), located in coding exon 1 of the TET2 gene, results from a T to G substitution at nucleotide position 41. The leucine at codon 14 is replaced by arginine, an amino acid with dissimilar properties. This amino acid position is conserved. In addition, the in silico prediction for this alteration is inconclusive. Based on the available evidence, the clinical significance of this variant remains unclear.

NM_001127208.3(TET2):c.41T>G (p.Leu14Arg)

Genes: TET2 (tet methylcytosine dioxygenase 2; plus strand), TET2-AS1 (TET2 antisense RNA 1; minus strand). Cytogenetic location: 4q24.
Variant type: single nucleotide variant.
Coding change: c.41T>G on transcript NM_001127208.3 (MANE Select); coding-DNA position 41, T replaced by G.
Protein change: p.Leu14Arg; replaces leucine 14 with arginine.
Molecular consequence: missense variant.
Genome position (GRCh38, 1-based): chr4:105,233,983, T>G. VCF-style: chr4-105233983-T-G. GRCh37 (hg19) VCF-style: chr4-106155140-T-G.
Other names: c.41T>G, p.Leu14Arg (NM_017628.4); short protein forms L14R.
Identifiers: ClinVar variation 5030708 (VCV005030708.1).
Genomic context (GRCh38, chr4:105,233,983, plus strand): 5'-ATGGCCCCGAAGCAAGCCTGATGGAACAGGATAGAACCAACCATGTTGAGGGCAACAGAC[T>G]AAGTCCATTCCTGATACCATCACCTCCCATTTGCCAGACAGAACCTCTGGCTACAAAGCT-3'
Protein context (NP_001120680.1, residues 4-24): DRTNHVEGNR[Leu14Arg]SPFLIPSPPI